The following is an entry in ClinVar:

NM_000264.5(PTCH1):c.3766G>T (p.Val1256Leu)

Gene: PTCH1 (patched 1; minus strand). Cytogenetic location: 9q22.32.
Variant type: single nucleotide variant.
Coding change: c.3766G>T on transcript NM_000264.5 (MANE Select); coding-DNA position 3766, G replaced by T.
Protein change: p.Val1256Leu; replaces valine 1256 with leucine.
Molecular consequence: missense variant. On other transcripts: non-coding transcript variant (1).
Genome position (GRCh38, 1-based): chr9:95,449,107, C>A on the plus strand (G>T on the coding strand, the complement: PTCH1 is on the minus strand). VCF-style: chr9-95449107-C-A. GRCh37 (hg19) VCF-style: chr9-98211389-C-A.
Other names: c.3568G>T, p.Val1190Leu (NM_001083602.3); c.3763G>T, p.Val1255Leu (NM_001083603.3); c.3313G>T, p.Val1105Leu (NM_001083604.3, NM_001083605.3, NM_001083606.3 and 1 more transcripts); c.3610G>T, p.Val1204Leu (NM_001354918.2); short protein forms V1105L, V1256L, V1190L, V1204L, V1255L.
Identifiers: ClinVar variation 1734723 (VCV001734723.3), dbSNP rs150850039, ClinGen allele CA374110980.

ClinVar aggregate classification (germline): Uncertain significance (1 of 4 stars; one submission).

Conditions:
Hereditary cancer-predisposing syndrome. Also called: Neoplastic Syndromes, Hereditary; Tumor predisposition; Hereditary Cancer Syndrome; Hereditary neoplastic syndrome. Identifiers: Orphanet 140162, MedGen C0027672, MeSH D009386, MONDO:0015356.

gnomAD v4.1: 1 of 1,614,108 alleles (0.000062%); highest among the groups gnomAD compares: East Asian, 0.0022%; no homozygotes.

Submission:

Ambry Genetics
Classification: Uncertain significance for Hereditary cancer-predisposing syndrome. Last evaluated: 2025-03-24. Review status: criteria provided, single submitter. Criteria: Ambry Variant Classification Scheme 2023. Collection method: clinical testing. Allele origin: germline.
Comment: The p.V1256L variant (also known as c.3766G>T), located in coding exon 22 of the PTCH1 gene, results from a G to T substitution at nucleotide position 3766. The valine at codon 1256 is replaced by leucine, an amino acid with highly similar properties. This amino acid position is well conserved in available vertebrate species. In addition, this alteration is predicted to be tolerated by in silico analysis. Since supporting evidence is limited at this time, the clinical significance of this alteration remains unclear.